The following is an entry in ClinVar:

ClinVar aggregate classification (germline): Uncertain significance (1 of 4 stars; one submission).

Submission:

Labcorp Genetics (formerly Invitae), Labcorp
Classification: Uncertain significance. Last evaluated: 2024-10-29. Review status: criteria provided, single submitter. Criteria: Invitae Variant Classification Sherloc (09022015). Collection method: clinical testing. Allele origin: germline.
Comment: This sequence change replaces tryptophan, which is neutral and slightly polar, with glycine, which is neutral and non-polar, at codon 268 of the RPIA protein (p.Trp268Gly). This variant is not present in population databases (gnomAD no frequency). This variant has not been reported in the literature in individuals affected with RPIA-related conditions. ClinVar contains an entry for this variant (Variation ID: 2092985). Invitae Evidence Modeling of protein sequence and biophysical properties (such as structural, functional, and spatial information, amino acid conservation, physicochemical variation, residue mobility, and thermodynamic stability) indicates that this missense variant is expected to disrupt RPIA protein function with a positive predictive value of 80%. In summary, the available evidence is currently insufficient to determine the role of this variant in disease. Therefore, it has been classified as a Variant of Uncertain Significance.

NM_144563.3(RPIA):c.802T>G (p.Trp268Gly)

Gene: RPIA (ribose 5-phosphate isomerase A; plus strand). Cytogenetic location: 2p11.2.
Variant type: single nucleotide variant.
Coding change: c.802T>G on transcript NM_144563.3 (MANE Select); coding-DNA position 802, T replaced by G.
Protein change: p.Trp268Gly; replaces tryptophan 268 with glycine.
Molecular consequence: missense variant.
Genome position (GRCh38, 1-based): chr2:88,738,040, T>G. VCF-style: chr2-88738040-T-G. GRCh37 (hg19) VCF-style: chr2-89037557-T-G.
Other names: short protein forms W268G.
Identifiers: ClinVar variation 2092985 (VCV002092985.4), dbSNP rs2528495178, ClinGen allele CA347590860.